The following is an entry in ClinVar:

ClinVar aggregate classification (germline): Likely benign. Review status: criteria provided, single submitter (1 of 4 stars). 2 submissions from 2 submitters: Likely benign (1). 1 of the submissions does not count toward it. Last evaluated 2024-12-23.

Conditions:
FHL2-related disorder. Also called: FHL2-related condition.
Primary dilated cardiomyopathy (DCM). Also called: Dilated Cardiomyopathy. Identifiers: Orphanet 217604, MedGen C0007193, MeSH D002311, MONDO:0005021, HP:0001644. Inheritance: Various modes of inheritance.

gnomAD v4.1: 8 of 1,613,288 alleles (0.0005%); highest among the groups gnomAD compares: Middle Eastern, 0.016%; no homozygotes.

Submissions (2):

Labcorp Genetics (formerly Invitae), Labcorp
Classification: Likely benign for Primary dilated cardiomyopathy. Last evaluated: 2024-12-23. Review status: criteria provided, single submitter. Criteria: Invitae Variant Classification Sherloc (09022015). Collection method: clinical testing. Allele origin: germline.

PreventionGenetics, part of Exact Sciences
Classification: Uncertain significance for FHL2-related condition. Last evaluated: 2024-07-17. Review status: no assertion criteria provided. Collection method: clinical testing. Allele origin: germline. Not counted in ClinVar's aggregate classification.
Comment: The FHL2 c.558C>T is a noncoding alteration. This variant is predicted to alter splicing based on available splicing prediction programs (SpliceAI, Jaganathan et al. 2019. PubMed ID: 30661751). However, the use of computer prediction programs is not equivalent to functional evidence. To our knowledge, this variant has not been reported in the literature or in a large population database, indicating this variant is rare. At this time, the clinical significance of this variant is uncertain due to the absence of conclusive functional and genetic evidence.

NM_001318895.3(FHL2):c.558C>T (p.Phe186=)

Genes: C2orf49 (chromosome 2 open reading frame 49; plus strand), FHL2 (four and a half LIM domains 2; minus strand). Cytogenetic location: 2q12.2.
Variant type: single nucleotide variant.
Coding change: c.558C>T on transcript NM_001318895.3 (MANE Select); coding-DNA position 558, C replaced by T.
Protein change: p.Phe186=; no amino-acid change (phenylalanine 186 retained).
Molecular consequence: synonymous variant.
Genome position (GRCh38, 1-based): chr2:105,363,415, G>A on the plus strand (C>T on the coding strand, the complement: FHL2 is on the minus strand). VCF-style: chr2-105363415-G-A. GRCh37 (hg19) VCF-style: chr2-105979872-G-A.
Other names: c.558C>T, p.Phe186= (NM_001039492.3, NM_001318894.1, NM_001318896.2 and 4 more transcripts); c.216C>T, p.Phe72= (NM_001318897.2, NM_001318898.2); c.234C>T, p.Phe78= (NM_001318899.2).
Identifiers: ClinVar variation 3344286 (VCV003344286.3).